The following is an entry in ClinVar:

NM_001013354.1(OR11H12):c.387T>C (p.Leu129=)

Gene: OR11H12 (olfactory receptor family 11 subfamily H member 12; plus strand). Cytogenetic location: 14q11.2.
Variant type: single nucleotide variant.
Coding change: c.387T>C on transcript NM_001013354.1 (MANE Select); coding-DNA position 387, T replaced by C.
Protein change: p.Leu129=; no amino-acid change (leucine 129 retained).
Molecular consequence: synonymous variant.
Genome position (GRCh38, 1-based): chr14:18,601,503, T>C. VCF-style: chr14-18601503-T-C. GRCh37 (hg19) VCF-style: chr14-19377980-T-C.
Identifiers: ClinVar variation 2644026 (VCV002644026.24), dbSNP rs563043103, ClinGen allele CA7071119.

ClinVar aggregate classification (germline): Likely benign (1 of 4 stars; one submission).

Allele frequency attached by ClinVar (database versions not stated): ExAC 0.00015; 1000 Genomes Project 30x 0.00031; 1000 Genomes Project 0.00040.

Submission:

CeGaT Center for Human Genetics Tuebingen
Classification: Likely benign. Last evaluated: 2022-12-01. Review status: criteria provided, single submitter. Criteria: CeGaT Center For Human Genetics Tuebingen Variant Classification Criteria Version 2. Collection method: clinical testing. Allele origin: germline. Affected: yes. Observed: 1 variant allele.
Comment: OR11H12: BP4, BP7